The following is an entry in ClinVar:

ClinVar aggregate classification (germline): Uncertain significance (1 of 4 stars; one submission).

Conditions:
Inborn genetic diseases. Identifiers: MedGen C0950123, MeSH D030342.

Submission:

Ambry Genetics
Classification: Uncertain significance for Inborn genetic diseases. Last evaluated: 2026-08-10. Review status: criteria provided, single submitter. Criteria: Ambry Variant Classification Scheme 2023. Collection method: clinical testing. Allele origin: germline.
Comment: The p.K152R variant (also known as c.455A>G), located in coding exon 3 of the MBD4 gene, results from an A to G substitution at nucleotide position 455. The lysine at codon 152 is replaced by arginine, an amino acid with highly similar properties. This amino acid position is conserved. In addition, this alteration is predicted to be tolerated by in silico analysis. Based on the available evidence, the clinical significance of this variant remains unclear.

NM_001276270.2(MBD4):c.455A>G (p.Lys152Arg)

Gene: MBD4 (methyl-CpG binding domain 4, DNA glycosylase; minus strand). Cytogenetic location: 3q21.3.
Variant type: single nucleotide variant.
Coding change: c.455A>G on transcript NM_001276270.2 (MANE Select); coding-DNA position 455, A replaced by G.
Protein change: p.Lys152Arg; replaces lysine 152 with arginine.
Molecular consequence: missense variant. On other transcripts: intron variant (1).
Genome position (GRCh38, 1-based): chr3:129,437,189, T>C on the plus strand (A>G on the coding strand, the complement: MBD4 is on the minus strand). VCF-style: chr3-129437189-T-C. GRCh37 (hg19) VCF-style: chr3-129156032-T-C.
Other names: c.455A>G, p.Lys152Arg (NM_001276271.2, NM_001276272.2, NM_003925.3); c.247+619A>G (NM_001276273.2); short protein forms K152R.
Identifiers: ClinVar variation 5024033 (VCV005024033.1).
Genomic context (GRCh38, chr3:129,437,189, plus strand): 5'-TTACTTTGGTTTTGTAGATGGGATGTCAGGGCTGCCATGCTGCAGTCTTTATATCTTGAC[T>C]TGATACCCCTTTTAGAAAGTACAGTAAAATCAAAATCTTCTGGCTTAAGAGAAGTCTCTC-3'
Protein context (NP_001263199.1, residues 142-162): DFTVLSKRGI[Lys152Arg]SRYKDCSMAA